The following continues an entry in ClinVar:

NM_000059.4(BRCA2):c.6761T>A (p.Phe2254Tyr)

Gene: BRCA2. ClinVar aggregate classification (germline): Conflicting classifications of pathogenicity. Uncertain significance (8); Likely benign (3).

Submissions 11 to 14 of 14:

Sema4
Classification: Uncertain significance for Hereditary cancer-predisposing syndrome. Last evaluated: 2021-09-25. Review status: criteria provided, single submitter. Criteria: Sema4 Curation Guidelines. Collection method: curation. Allele origin: germline.
Comment: The BRCA2 c.6761T>A (p.F2254Y) missense variant has been reported in a large breat cancer case control study in 2/60,466 women with breast cancer and 1/53,461 controls (PMID 33471991). This variant was not observed in the large and broad cohorts of the Genome Aggregation Database (PMID: 32461654). This variant has been reported in ClinVar (Variation ID 186392). Functional studies have not been performed, and in silico predictions of the variant's effect on protein function are inconclusive. The overall evidence is insufficient to meet ACMG/AMP criteria for classifying it as benign or pathogenic. In summary, the clinical significance of this variant is currently uncertain.

Counsyl
Classification: Uncertain significance for Breast-ovarian cancer, familial, susceptibility to, 2. Last evaluated: 2016-02-16. Review status: no assertion criteria provided. Collection method: clinical testing. Allele origin: unknown. Not counted in ClinVar's aggregate classification.

Department of Pathology and Laboratory Medicine, Sinai Health System
Classification: Likely benign for Malignant tumor of breast. Review status: no assertion criteria provided. Collection method: clinical testing. Allele origin: unknown. Affected: yes. Study: The Canadian Open Genetics Repository (COGR). Not counted in ClinVar's aggregate classification.
Comment: The p.Phe2254Tyr variant has not been reported in the literature. The p.Phe2254 residue is not conserved in mammals, and computational analyses (PolyPhen, SIFT, AlignGVGD) provide inconsistent predictions regarding the impact to the protein and this information is not very predictive of pathogenicity. In summary, based on the above information, the clinical significance of this variant cannot be determined with certainty at this time although we would lean towards a more benign role for this variant. This variant is classified as predicted benign.

Foulkes Cancer Genetics LDI, Lady Davis Institute for Medical Research
Classification: Uncertain significance for Breast and/or ovarian cancer. Review status: no assertion criteria provided. Collection method: clinical testing. Allele origin: germline. Study: The Canadian Open Genetics Repository (COGR). Not counted in ClinVar's aggregate classification.

Literature cited by the submitters: PubMed 37306523 (cited by Women's Health and Genetics/Laboratory Corporation of America, LabCorp and Color Diagnostics, LLC DBA Color Health); PubMed 37335020 (cited by Women's Health and Genetics/Laboratory Corporation of America, LabCorp); PubMed 39001544 (cited by Women's Health and Genetics/Laboratory Corporation of America, LabCorp); PubMed 40531958 (cited by Women's Health and Genetics/Laboratory Corporation of America, LabCorp); PubMed 33471991 (cited by 5 submitters); PubMed 31911673 (cited by Quest Diagnostics Nichols Institute San Juan Capistrano); PubMed 26295337 (cited by Quest Diagnostics Nichols Institute San Juan Capistrano).